The following is an entry in ClinVar:

NM_000393.5(COL5A2):c.1808G>C (p.Gly603Ala)

Gene: COL5A2 (collagen type V alpha 2 chain; minus strand). Cytogenetic location: 2q32.2.
Variant type: single nucleotide variant.
Coding change: c.1808G>C on transcript NM_000393.5 (MANE Select); coding-DNA position 1808, G replaced by C.
Protein change: p.Gly603Ala; replaces glycine 603 with alanine.
Molecular consequence: missense variant.
Genome position (GRCh38, 1-based): chr2:189,063,233, C>G on the plus strand (G>C on the coding strand, the complement: COL5A2 is on the minus strand). VCF-style: chr2-189063233-C-G. GRCh37 (hg19) VCF-style: chr2-189927959-C-G.
Other names: short protein forms G603A.
Identifiers: ClinVar variation 519668 (VCV000519668.6), dbSNP rs1553515338, ClinGen allele CA349880031.

ClinVar aggregate classification (germline): Uncertain significance. Review status: criteria provided, multiple submitters, no conflicts (2 of 4 stars). 2 submissions from 2 submitters: Uncertain significance (2). Last evaluated 2026-02-01.

Conditions:
Ehlers-Danlos syndrome, classic type, 1 (EDSCL1). Also called: Ehlers-Danlos Syndrome, Classic Type, COL5A1-Related; EDS I; Ehlers-Danlos syndrome, type 1; EHLERS-DANLOS SYNDROME, GRAVIS TYPE; EHLERS-DANLOS SYNDROME, SEVERE CLASSIC TYPE. Identifiers: MedGen C0268335, MONDO:0019567, OMIM 130000.
Familial thoracic aortic aneurysm and aortic dissection (TAAD). Also called: Thoracic aortic aneurysms and dissections. Identifiers: Orphanet 91387, MedGen C4707243, MONDO:0019625.

Allele frequency attached by ClinVar (database versions not stated): gnomAD exomes below 0.00001; TOPMed 0.00001.
gnomAD v4.1: 1 of 1,614,110 alleles (0.000062%); highest among the groups gnomAD compares: Middle Eastern, 0.017%; no homozygotes.

Submissions (2):

Labcorp Genetics (formerly Invitae), Labcorp
Classification: Uncertain significance for Ehlers-Danlos syndrome, classic type, 1. Last evaluated: 2026-02-01. Review status: criteria provided, single submitter. Criteria: Invitae Variant Classification Sherloc (09022015). Collection method: clinical testing. Allele origin: germline.
Comment: This sequence change replaces glycine, which is neutral and non-polar, with alanine, which is neutral and non-polar, at codon 603 of the COL5A2 protein (p.Gly603Ala). This variant is not present in population databases (gnomAD no frequency). This variant has not been reported in the literature in individuals affected with COL5A2-related conditions. ClinVar contains an entry for this variant (Variation ID: 519668). Invitae Evidence Modeling of protein sequence and biophysical properties (such as structural, functional, and spatial information, amino acid conservation, physicochemical variation, residue mobility, and thermodynamic stability) indicates that this missense variant is expected to disrupt COL5A2 protein function with a positive predictive value of 80%. In summary, the available evidence is currently insufficient to determine the role of this variant in disease. Therefore, it has been classified as a Variant of Uncertain Significance.

Ambry Genetics
Classification: Uncertain significance for Familial thoracic aortic aneurysm and aortic dissection. Last evaluated: 2024-02-29. Review status: criteria provided, single submitter. Criteria: Ambry Variant Classification Scheme 2023. Collection method: clinical testing. Allele origin: germline.
Comment: The p.G603A variant (also known as c.1808G>C), located in coding exon 27 of the COL5A2 gene, results from a G to C substitution at nucleotide position 1808. The glycine at codon 603 is replaced by alanine, an amino acid with similar properties. Internal structural analysis indicates that this alteration disrupts the characteristic G-X-Y motif of the triple helical domain in the COL5A2 protein and inserts a bulky side chain into a sterically-constrained region (Bella J et al.Science.1994;266:75-81; Hohenester E et al.Proc. Natl.Acad. Sci.U.S.A.2008;105:18273-7; Ambry internal data). Glycine substitutions in the triple helical domain of COL5A2 have been reported in association with classic Ehlers-Danlos syndrome (cEDS), but the number of affected individuals is limited and several other COL5A2 glycine substitutions in the triple helical domain (e.g., p.G951E and p.G831A) are too common for disease in population databases (Symoens S et al.Hum. Mutat., 2012 Oct;33:1485-93; Ritelli M et al.Orphanet J Rare Dis.2013 Apr;8:58). This amino acid position is highly conserved in available vertebrate species. In addition, this alteration is predicted to be deleterious by in silico analysis. Based on the available evidence, the clinical significance of this alteration remains unclear.